The following is an entry in ClinVar:

ClinVar aggregate classification (germline): Uncertain significance (1 of 4 stars; one submission).

Submission:

GeneDx
Classification: Uncertain significance. Last evaluated: 2023-11-10. Review status: criteria provided, single submitter. Criteria: GeneDx Variant Classification Process June 2021. Collection method: clinical testing. Allele origin: germline. Affected: yes.
Comment: Not observed at significant frequency in large population cohorts (gnomAD); In silico analysis supports that this missense variant has a deleterious effect on protein structure/function; Has not been previously published as pathogenic or benign to our knowledge

NM_022455.5(NSD1):c.6436T>G (p.Cys2146Gly)

Gene: NSD1 (nuclear receptor binding SET domain protein 1; plus strand). Cytogenetic location: 5q35.3.
Variant type: single nucleotide variant.
Coding change: c.6436T>G on transcript NM_022455.5 (MANE Select); coding-DNA position 6436, T replaced by G.
Protein change: p.Cys2146Gly; replaces cysteine 2146 with glycine.
Molecular consequence: missense variant.
Genome position (GRCh38, 1-based): chr5:177,292,131, T>G. VCF-style: chr5-177292131-T-G. GRCh37 (hg19) VCF-style: chr5-176719132-T-G.
Other names: c.5563T>G, p.Cys1855Gly (NM_001365684.2, NM_001409308.1, NM_172349.5); c.6436T>G, p.Cys2146Gly (NM_001409301.1, NM_001409302.1, NM_001409303.1); c.6016T>G, p.Cys2006Gly (NM_001409304.1); c.5683T>G, p.Cys1895Gly (NM_001409305.1); c.5674T>G, p.Cys1892Gly (NM_001409306.1, NM_001409307.1); c.5314T>G, p.Cys1772Gly (NM_001409309.1); short protein forms C1772G, C1855G, C1892G, C1895G, C2006G, C2146G.
Identifiers: ClinVar variation 3364123 (VCV003364123.1).
Genomic context (GRCh38, chr5:177,292,131, plus strand): 5'-GATGCTGGCCAGCTCGTCTCCTGCAAGAAACCAGGCTGCCCAAAAGTTTACCACGCAGAC[T>G]GTCTCAATCTGACCAAGCGACCAGCAGGTTGGTGCCAAAATCCATTTGTACCGCTACTCG-3'
Protein context (NP_071900.2, residues 2136-2156): PGCPKVYHAD[Cys2146Gly]LNLTKRPAGK